The following is an entry in ClinVar:

ClinVar aggregate classification (germline): Uncertain significance. Review status: criteria provided, multiple submitters, no conflicts (2 of 4 stars). 2 submissions from 2 submitters: Uncertain significance (2). Last evaluated 2026-08-24.

Conditions:
PAFAH1B1-related disorder. Also called: PAFAH1B1-related condition.

Allele frequency attached by ClinVar (database versions not stated): gnomAD 0.00003; TOPMed 0.00003.

Submissions (2):

PreventionGenetics, part of Exact Sciences
Classification: Uncertain significance for PAFAH1B1-related condition. Last evaluated: 2026-08-24. Review status: criteria provided, single submitter. Criteria: ACMG Guidelines, 2015. Collection method: clinical testing. Allele origin: germline.
Comment: The PAFAH1B1 c.769A>G variant is predicted to result in the amino acid substitution p.Thr257Ala. To our knowledge, this variant has not been reported in the literature. This variant is reported in 0.0029% of alleles in individuals of Latino descent in gnomAD. At this time, the clinical significance of this variant is uncertain due to the absence of conclusive functional and genetic evidence.

Labcorp Genetics (formerly Invitae), Labcorp
Classification: Uncertain significance. Last evaluated: 2025-12-03. Review status: criteria provided, single submitter. Criteria: Invitae Variant Classification Sherloc (09022015). Collection method: clinical testing. Allele origin: germline.
Comment: This sequence change replaces threonine, which is neutral and polar, with alanine, which is neutral and non-polar, at codon 257 of the PAFAH1B1 protein (p.Thr257Ala). This variant is present in population databases (no rsID available, gnomAD 0.003%). This variant has not been reported in the literature in individuals affected with PAFAH1B1-related conditions. ClinVar contains an entry for this variant (Variation ID: 2193934). An algorithm developed to predict the effect of missense changes on protein structure and function (PolyPhen-2) suggests that this variant is likely to be tolerated. In summary, the available evidence is currently insufficient to determine the role of this variant in disease. Therefore, it has been classified as a Variant of Uncertain Significance.

NM_000430.4(PAFAH1B1):c.769A>G (p.Thr257Ala)

Gene: PAFAH1B1 (platelet activating factor acetylhydrolase 1b regulatory subunit 1; plus strand). Cytogenetic location: 17p13.3.
Variant type: single nucleotide variant.
Coding change: c.769A>G on transcript NM_000430.4 (MANE Select); coding-DNA position 769, A replaced by G.
Protein change: p.Thr257Ala; replaces threonine 257 with alanine.
Molecular consequence: missense variant.
Genome position (GRCh38, 1-based): chr17:2,674,157, A>G. VCF-style: chr17-2674157-A-G. GRCh37 (hg19) VCF-style: chr17-2577451-A-G.
Other names: c.769A>G (NM_000430.3); short protein forms T257A.
Identifiers: ClinVar variation 2193934 (VCV002193934.5), dbSNP rs1198271089, ClinGen allele CA397641823.
Genomic context (GRCh38, chr17:2,674,157, plus strand): 5'-GTACGTATGGTACGGCCAAATCAAGATGGCACTCTGATAGCCAGCTGTTCCAATGACCAG[A>G]CTGTGCGTGTATGGGTCGTAGCAACAAAGGAATGCAAGGCTGAGCTCCGAGAGCATGAGC-3'
Protein context (NP_000421.1, residues 247-267): TLIASCSNDQ[Thr257Ala]VRVWVVATKE